The following is an entry in ClinVar:

ClinVar aggregate classification (germline): Uncertain significance (1 of 4 stars; one submission).

Conditions:
Hereditary cancer-predisposing syndrome. Also called: Neoplastic Syndromes, Hereditary; Tumor predisposition; Hereditary neoplastic syndrome; Hereditary Cancer Syndrome. Identifiers: Orphanet 140162, MedGen C0027672, MeSH D009386, MONDO:0015356.

Submission:

Ambry Genetics
Classification: Uncertain significance for Hereditary cancer-predisposing syndrome. Last evaluated: 2026-07-04. Review status: criteria provided, single submitter. Criteria: Ambry Variant Classification Scheme 2023. Collection method: clinical testing. Allele origin: germline.
Comment: The p.S643Y variant (also known as c.1928C>A), located in coding exon 13 of the PDGFRA gene, results from a C to A substitution at nucleotide position 1928. The serine at codon 643 is replaced by tyrosine, an amino acid with dissimilar properties. This amino acid position is conserved. In addition, this alteration is predicted to be deleterious by in silico analysis. Based on the available evidence, the clinical significance of this variant remains unclear.

NM_006206.6(PDGFRA):c.1928C>A (p.Ser643Tyr)

Gene: PDGFRA (platelet derived growth factor receptor alpha; plus strand). Cytogenetic location: 4q12.
Variant type: single nucleotide variant.
Coding change: c.1928C>A on transcript NM_006206.6 (MANE Select); coding-DNA position 1928, C replaced by A.
Protein change: p.Ser643Tyr; replaces serine 643 with tyrosine.
Molecular consequence: missense variant.
Genome position (GRCh38, 1-based): chr4:54,277,932, C>A. VCF-style: chr4-54277932-C-A. GRCh37 (hg19) VCF-style: chr4-55144099-C-A.
Other names: c.1928C>A, p.Ser643Tyr (NM_001347827.2, NM_001347829.2); c.2003C>A, p.Ser668Tyr (NM_001347828.2); c.1967C>A, p.Ser656Tyr (NM_001347830.2); short protein forms S643Y, S656Y, S668Y.
Identifiers: ClinVar variation 5026409 (VCV005026409.1).